The following is an entry in ClinVar:

NM_003982.4(SLC7A7):c.1281C>T (p.Cys427=)

Gene: SLC7A7 (solute carrier family 7 member 7; minus strand). Cytogenetic location: 14q11.2.
Variant type: single nucleotide variant.
Coding change: c.1281C>T on transcript NM_003982.4 (MANE Select); coding-DNA position 1281, C replaced by T.
Protein change: p.Cys427=; no amino-acid change (cysteine 427 retained).
Molecular consequence: synonymous variant.
Genome position (GRCh38, 1-based): chr14:22,774,081, G>A on the plus strand (C>T on the coding strand, the complement: SLC7A7 is on the minus strand). VCF-style: chr14-22774081-G-A. GRCh37 (hg19) VCF-style: chr14-23243290-G-A.
Other names: c.1281C>T, p.Cys427= (NM_001126105.3, NM_001126106.4).
Identifiers: ClinVar variation 386716 (VCV000386716.10), dbSNP rs763739193, ClinGen allele CA7104428.

ClinVar aggregate classification (germline): Likely benign. Review status: criteria provided, multiple submitters, no conflicts (2 of 4 stars). 3 submissions from 3 submitters: Likely benign (3). Last evaluated 2025-12-15.

Conditions:
Lysinuric protein intolerance (LPI). Identifiers: Orphanet 470, MedGen C0268647, MONDO:0009109, OMIM 222700.

Allele frequency attached by ClinVar (database versions not stated): gnomAD exomes 0.00010 and 0.00005; gnomAD 0.00011 and 0.00010; ExAC 0.00005; TOPMed 0.00006.
gnomAD v4.1: 156 of 1,614,194 alleles (0.0097%); highest among the groups gnomAD compares: Non-Finnish European, 0.013%; no homozygotes.

Submissions (3):

Labcorp Genetics (formerly Invitae), Labcorp
Classification: Likely benign for Lysinuric protein intolerance. Last evaluated: 2025-12-15. Review status: criteria provided, single submitter. Criteria: Invitae Variant Classification Sherloc (09022015). Collection method: clinical testing. Allele origin: germline.

Blueprint Genetics
Classification: Likely benign. Last evaluated: 2023-05-29. Review status: criteria provided, single submitter. Criteria: ACMG Guidelines, 2015. Collection method: clinical testing. Allele origin: germline.

GeneDx
Classification: Likely benign. Last evaluated: 2017-04-21. Review status: criteria provided, single submitter. Criteria: GeneDx Variant Classification (06012015). Collection method: clinical testing. Allele origin: germline. Affected: yes.
Comment: This variant is considered likely benign or benign based on one or more of the following criteria: it is a conservative change, it occurs at a poorly conserved position in the protein, it is predicted to be benign by multiple in silico algorithms, and/or has population frequency not consistent with disease.